The following is an entry in ClinVar:

ClinVar aggregate classification (germline): Benign/Likely benign. Review status: criteria provided, multiple submitters, no conflicts (2 of 4 stars). 5 submissions from 5 submitters: Benign (1); Likely benign (4). Last evaluated 2025-08-29.

Conditions:
Hereditary cancer-predisposing syndrome. Also called: Hereditary Cancer Syndrome; Neoplastic Syndromes, Hereditary; Hereditary neoplastic syndrome; Tumor predisposition. Identifiers: Orphanet 140162, MedGen C0027672, MeSH D009386, MONDO:0015356.
Familial adenomatous polyposis 1 (FAP1). Also called: FAMILIAL ADENOMATOUS POLYPOSIS 1, ATTENUATED; POLYPOSIS, ADENOMATOUS INTESTINAL. Identifiers: MedGen C2713442, MONDO:0021056, OMIM 175100. Disease mechanism: loss of function.
Classic or attenuated familial adenomatous polyposis. Identifiers: MedGen CN372698, MONDO:0021057.

Allele frequency attached by ClinVar (database versions not stated): gnomAD exomes below 0.00001; gnomAD 0.00001; TOPMed 0.00001.
gnomAD v4.1: 4 of 1,613,910 alleles (0.00025%); highest among the groups gnomAD compares: Non-Finnish European, 0.00034%; no homozygotes.

Submissions (5):

Labcorp Genetics (formerly Invitae), Labcorp
Classification: Likely benign for Familial adenomatous polyposis 1. Last evaluated: 2025-08-29. Review status: criteria provided, single submitter. Criteria: Invitae Variant Classification Sherloc (09022015). Collection method: clinical testing. Allele origin: germline.

Myriad Genetics, Inc.
Classification: Benign for Familial adenomatous polyposis 1. Last evaluated: 2024-04-02. Review status: criteria provided, single submitter. Criteria: Myriad Autosomal Dominant, Autosomal Recessive and X-Linked Classification Criteria (2023). Collection method: clinical testing. Allele origin: unknown.
Comment: This variant is considered benign. This variant is a silent/synonymous amino acid change and it is not expected to impact splicing.

All of Us Research Program, National Institutes of Health
Classification: Likely benign for Classic or attenuated familial adenomatous polyposis. Last evaluated: 2023-10-30. Review status: criteria provided, single submitter. Criteria: ACMG Guidelines, 2015. Collection method: clinical testing. Allele origin: germline. Inheritance: Autosomal dominant inheritance. Observed: 6 variant alleles, 6 heterozygotes.
Comment: This study involves interpretation of variants in research participants for the purpose of population health screening. Participant phenotype was not available at the time of variant classification. Additional details can be found in publication PMID: 35346344, PMCID: PMC8962531

Color Diagnostics, LLC DBA Color Health
Classification: Likely benign for Hereditary cancer-predisposing syndrome. Last evaluated: 2019-03-04. Review status: criteria provided, single submitter. Criteria: ACMG Guidelines, 2015. Collection method: clinical testing. Allele origin: germline.

Ambry Genetics
Classification: Likely benign for Hereditary cancer-predisposing syndrome. Last evaluated: 2015-01-21. Review status: criteria provided, single submitter. Criteria: Ambry Variant Classification Scheme 2023. Collection method: clinical testing. Allele origin: germline.

NM_000038.6(APC):c.5841T>G (p.Thr1947=)

Gene: APC (APC regulator of Wnt signaling pathway; plus strand). Cytogenetic location: 5q22.2.
Variant type: single nucleotide variant.
Coding change: c.5841T>G on transcript NM_000038.6 (MANE Select); coding-DNA position 5841, T replaced by G.
Protein change: p.Thr1947=; no amino-acid change (threonine 1947 retained).
Molecular consequence: synonymous variant.
Genome position (GRCh38, 1-based): chr5:112,841,435, T>G. VCF-style: chr5-112841435-T-G. GRCh37 (hg19) VCF-style: chr5-112177132-T-G.
Other names: c.5841T>G, p.Thr1947= (NM_001127510.3, NM_001354895.2); c.5787T>G, p.Thr1929= (NM_001127511.3); c.5895T>G, p.Thr1965= (NM_001354896.2); c.5871T>G, p.Thr1957= (NM_001354897.2); c.5766T>G, p.Thr1922= (NM_001354898.2); c.5757T>G, p.Thr1919= (NM_001354899.2); c.5718T>G, p.Thr1906= (NM_001354900.2); c.5664T>G, p.Thr1888= (NM_001354901.2); and 5 more.
Identifiers: ClinVar variation 428126 (VCV000428126.21), dbSNP rs1114167570, ClinGen allele CA446209862.